The following is an entry in ClinVar:

ClinVar aggregate classification (germline): Uncertain significance. Review status: criteria provided, multiple submitters, no conflicts (2 of 4 stars). 2 submissions from 2 submitters: Uncertain significance (2). Last evaluated 2024-01-01.

Conditions:
Aicardi-Goutieres syndrome 7 (AGS7). Identifiers: Orphanet 51, MedGen C3888244, MONDO:0014367, OMIM 615846.
Singleton-Merten syndrome 1 (SGMRT1). Also called: Widened medullary cavities of bone, aortic calcification, abnormal dentition, and muscular weakness; Syndrome of widened medullary cavities of the metacarpals and phalanges, aortic calcification and abnormal dentition. Identifiers: Orphanet 85191, MedGen C4225427, MONDO:0024535, OMIM 182250.

Allele frequency attached by ClinVar (database versions not stated): gnomAD exomes below 0.00001; TOPMed below 0.00001.
gnomAD v4.1: 3 of 1,613,978 alleles (0.00019%); highest among the groups gnomAD compares: South Asian, 0.0033%; no homozygotes.

Submissions (2):

Labcorp Genetics (formerly Invitae), Labcorp
Classification: Uncertain significance for Aicardi-Goutieres syndrome 7; Singleton-Merten syndrome 1. Last evaluated: 2024-01-01. Review status: criteria provided, single submitter. Criteria: Invitae Variant Classification Sherloc (09022015). Collection method: clinical testing. Allele origin: germline.
Comment: This sequence change replaces glycine, which is neutral and non-polar, with serine, which is neutral and polar, at codon 958 of the IFIH1 protein (p.Gly958Ser). This variant is present in population databases (no rsID available, gnomAD 0.003%). This variant has not been reported in the literature in individuals affected with IFIH1-related conditions. ClinVar contains an entry for this variant (Variation ID: 653274). Advanced modeling of protein sequence and biophysical properties (such as structural, functional, and spatial information, amino acid conservation, physicochemical variation, residue mobility, and thermodynamic stability) has been performed at Invitae for this missense variant, however the output from this modeling did not meet the statistical confidence thresholds required to predict the impact of this variant on IFIH1 protein function. In summary, the available evidence is currently insufficient to determine the role of this variant in disease. Therefore, it has been classified as a Variant of Uncertain Significance.

GeneDx
Classification: Uncertain significance. Last evaluated: 2022-11-22. Review status: criteria provided, single submitter. Criteria: GeneDx Variant Classification Process June 2021. Collection method: clinical testing. Allele origin: germline. Affected: yes.
Comment: Not observed at significant frequency in large population cohorts (gnomAD); In silico analysis supports that this missense variant has a deleterious effect on protein structure/function; Has not been previously published as pathogenic or benign to our knowledge

NM_022168.4(IFIH1):c.2872G>A (p.Gly958Ser)

Gene: IFIH1 (interferon induced with helicase C domain 1; minus strand). Cytogenetic location: 2q24.2.
Variant type: single nucleotide variant.
Coding change: c.2872G>A on transcript NM_022168.4 (MANE Select); coding-DNA position 2872, G replaced by A.
Protein change: p.Gly958Ser; replaces glycine 958 with serine.
Molecular consequence: missense variant.
Genome position (GRCh38, 1-based): chr2:162,267,505, C>T on the plus strand (G>A on the coding strand, the complement: IFIH1 is on the minus strand). VCF-style: chr2-162267505-C-T. GRCh37 (hg19) VCF-style: chr2-163124015-C-T.
Other names: c.2872G>A, p.Gly958Ser (LRG_1235t1); short protein forms G958S.
Identifiers: ClinVar variation 653274 (VCV000653274.9), dbSNP rs1466752669, ClinGen allele CA348989672.